The following is an entry in ClinVar:

NM_001151.4(SLC25A4):c.444C>T (p.Gly148=)

Gene: SLC25A4 (solute carrier family 25 member 4; plus strand). Cytogenetic location: 4q35.1.
Variant type: single nucleotide variant.
Coding change: c.444C>T on transcript NM_001151.4 (MANE Select); coding-DNA position 444, C replaced by T.
Protein change: p.Gly148=; no amino-acid change (glycine 148 retained).
Molecular consequence: synonymous variant.
Genome position (GRCh38, 1-based): chr4:185,145,096, C>T. VCF-style: chr4-185145096-C-T. GRCh37 (hg19) VCF-style: chr4-186066250-C-T.
Other names: c.444C>T (NM_001151.3).
Identifiers: ClinVar variation 1977101 (VCV001977101.27), dbSNP rs767493198, ClinGen allele CA3156472.
Genomic context (GRCh38, chr4:185,145,096, plus strand): 5'-TTGCTTTGTCTACCCGCTGGACTTTGCTAGGACCAGGTTGGCTGCTGATGTGGGCAAGGG[C>T]GCCGCCCAGCGTGAGTTCCATGGTCTGGGCGACTGTATCATCAAGATCTTCAAGTCTGAT-3'
Protein context (NP_001142.2, residues 138-158): RTRLAADVGK[Gly148=]AAQREFHGLG

ClinVar aggregate classification (germline): Likely benign. Review status: criteria provided, multiple submitters, no conflicts (2 of 4 stars). 4 submissions from 4 submitters: Likely benign (3). 1 of the submissions does not count toward it. Last evaluated 2026-07-01.

Conditions:
SLC25A4-related disorder. Also called: SLC25A4-related condition.

Allele frequency attached by ClinVar (database versions not stated): ExAC 0.00001; gnomAD exomes 0.00001.
gnomAD v4.1: 24 of 1,613,018 alleles (0.0015%); highest among the groups gnomAD compares: Middle Eastern, 0.016%; no homozygotes.

Submissions (4):

CeGaT Center for Human Genetics Tuebingen
Classification: Likely benign. Last evaluated: 2026-07-01. Review status: criteria provided, single submitter. Criteria: CeGaT Center For Human Genetics Tuebingen Variant Classification Criteria Version 2. Collection method: clinical testing. Allele origin: germline. Affected: yes. Observed: 3 variant alleles.
Comment: SLC25A4: BP4, BP7

Labcorp Genetics (formerly Invitae), Labcorp
Classification: Likely benign. Last evaluated: 2026-02-01. Review status: criteria provided, single submitter. Criteria: Invitae Variant Classification Sherloc (09022015). Collection method: clinical testing. Allele origin: germline.

Blueprint Genetics
Classification: Likely benign. Last evaluated: 2024-07-17. Review status: criteria provided, single submitter. Criteria: ACMG Guidelines, 2015. Collection method: clinical testing. Allele origin: germline.

PreventionGenetics, part of Exact Sciences
Classification: Likely benign for SLC25A4-related condition. Last evaluated: 2019-07-08. Review status: no assertion criteria provided. Collection method: clinical testing. Allele origin: germline. Not counted in ClinVar's aggregate classification.
Comment: This variant is classified as likely benign based on ACMG/AMP sequence variant interpretation guidelines (Richards et al. 2015 PMID: 25741868, with internal and published modifications).